The following is an entry in ClinVar:

NM_005045.4(RELN):c.1334T>C (p.Ile445Thr)

Genes: RELN (reelin; minus strand), LOC126860131 (MED14-independent group 3 enhancer GRCh37_chr7:103301048-103302247; plus strand). Cytogenetic location: 7q22.1.
Variant type: single nucleotide variant.
Coding change: c.1334T>C on transcript NM_005045.4 (MANE Select); coding-DNA position 1334, T replaced by C.
Protein change: p.Ile445Thr; replaces isoleucine 445 with threonine.
Molecular consequence: missense variant.
Genome position (GRCh38, 1-based): chr7:103,661,483, A>G on the plus strand (T>C on the coding strand, the complement: RELN is on the minus strand). VCF-style: chr7-103661483-A-G. GRCh37 (hg19) VCF-style: chr7-103301930-A-G.
Other names: c.1334T>C, p.Ile445Thr (NM_173054.3); short protein forms I445T.
Identifiers: ClinVar variation 4795072 (VCV004795072.1).

ClinVar aggregate classification (germline): Uncertain significance (1 of 4 stars; one submission).

Conditions:
Norman-Roberts syndrome (LIS2). Also called: Lissencephaly 2 (Norman-Roberts type). Identifiers: Orphanet 89844, MedGen C0796089, MONDO:0009760, OMIM 257320.
Familial temporal lobe epilepsy 7. Identifiers: Orphanet 101046, MedGen C4225327, MONDO:0014639, OMIM 616436.

Submission:

Labcorp Genetics (formerly Invitae), Labcorp
Classification: Uncertain significance for Familial temporal lobe epilepsy 7; Norman-Roberts syndrome. Last evaluated: 2026-01-17. Review status: criteria provided, single submitter. Criteria: Invitae Variant Classification Sherloc (09022015). Collection method: clinical testing. Allele origin: germline.
Comment: This sequence change replaces isoleucine, which is neutral and non-polar, with threonine, which is neutral and polar, at codon 445 of the RELN protein (p.Ile445Thr). This variant is not present in population databases (gnomAD no frequency). This variant has not been reported in the literature in individuals affected with RELN-related conditions. Invitae Evidence Modeling of protein sequence and biophysical properties (such as structural, functional, and spatial information, amino acid conservation, physicochemical variation, residue mobility, and thermodynamic stability) indicates that this missense variant is not expected to disrupt RELN protein function with a negative predictive value of 80%. In summary, the available evidence is currently insufficient to determine the role of this variant in disease. Therefore, it has been classified as a Variant of Uncertain Significance.